The following is an entry in ClinVar:

ClinVar aggregate classification (germline): Uncertain significance (1 of 4 stars; one submission).

gnomAD v4.1: 1 of 1,457,630 alleles (0.000069%); highest among the groups gnomAD compares: Non-Finnish European, 0.00009%; no homozygotes.

Submission:

Labcorp Genetics (formerly Invitae), Labcorp
Classification: Uncertain significance. Last evaluated: 2020-11-10. Review status: criteria provided, single submitter. Criteria: Invitae Variant Classification Sherloc (09022015). Collection method: clinical testing. Allele origin: germline.
Comment: This sequence change replaces leucine with glutamine at codon 29 of the TONSL protein (p.Leu29Gln). The leucine residue is weakly conserved and there is a moderate physicochemical difference between leucine and glutamine. The frequency data for this variant in the population databases is considered unreliable, as metrics indicate insufficient coverage at this position in the ExAC database. This variant has not been reported in the literature in individuals with TONSL-related conditions. Algorithms developed to predict the effect of missense changes on protein structure and function are either unavailable or do not agree on the potential impact of this missense change (SIFT: "Tolerated"; PolyPhen-2: "Possibly Damaging"; Align-GVGD: "Class C0"). In summary, the available evidence is currently insufficient to determine the role of this variant in disease. Therefore, it has been classified as a Variant of Uncertain Significance.

NM_013432.5(TONSL):c.86T>A (p.Leu29Gln)

Genes: TONSL (tonsoku like, DNA repair protein; minus strand), LOC130001399 (ATAC-STARR-seq lymphoblastoid silent region 19685; plus strand). Cytogenetic location: 8q24.3.
Variant type: single nucleotide variant.
Coding change: c.86T>A on transcript NM_013432.5 (MANE Select); coding-DNA position 86, T replaced by A.
Protein change: p.Leu29Gln; replaces leucine 29 with glutamine.
Molecular consequence: missense variant.
Genome position (GRCh38, 1-based): chr8:144,444,215, A>T on the plus strand (T>A on the coding strand, the complement: TONSL is on the minus strand). VCF-style: chr8-144444215-A-T. GRCh37 (hg19) VCF-style: chr8-145669598-A-T.
Other names: short protein forms L29Q.
Identifiers: ClinVar variation 1345675 (VCV001345675.8), dbSNP rs1264921244, ClinGen allele CA372679901.